The following is an entry in ClinVar:

NM_000238.4(KCNH2):c.930A>G (p.Pro310=)

Gene: KCNH2 (potassium voltage-gated channel subfamily H member 2; minus strand). Cytogenetic location: 7q36.1.
Variant type: single nucleotide variant.
Coding change: c.930A>G on transcript NM_000238.4 (MANE Select); coding-DNA position 930, A replaced by G.
Protein change: p.Pro310=; no amino-acid change (proline 310 retained).
Molecular consequence: synonymous variant. On other transcripts: non-coding transcript variant (1).
Genome position (GRCh38, 1-based): chr7:150,957,489, T>C on the plus strand (A>G on the coding strand, the complement: KCNH2 is on the minus strand). VCF-style: chr7-150957489-T-C. GRCh37 (hg19) VCF-style: chr7-150654577-T-C.
Other names: c.642A>G, p.Pro214= (NM_001406753.1, NM_001406756.1); c.753A>G, p.Pro251= (NM_001406755.1); c.630A>G, p.Pro210= (NM_001406757.1); c.930A>G, p.Pro310= (NM_172056.3); c.930A>G (NM_000238.2).
Identifiers: ClinVar variation 413334 (VCV000413334.46), dbSNP rs745496986, ClinGen allele CA040976.

ClinVar aggregate classification (germline): Conflicting classifications of pathogenicity. Review status: criteria provided, conflicting classifications (1 of 4 stars). 8 submissions from 8 submitters: Uncertain significance (1); Benign (1); Likely benign (6). Last evaluated 2025-11-24.

Conditions:
Cardiac arrhythmia. Also called: Cardiac rhythm disease; Arrhythmia. Identifiers: MedGen C0003811, MONDO:0007263, HP:0011675.
Cardiovascular phenotype. Identifiers: MedGen CN230736.
Long QT syndrome (LQTS). Identifiers: MedGen C0023976, MeSH D008133, MONDO:0002442. Disease mechanism: loss of function. Inheritance: Various modes of inheritance.
Long QT syndrome 2 (LQT2). Identifiers: Orphanet 101016, Orphanet 768, MedGen C3150943, MONDO:0013367, OMIM 613688.

Allele frequency attached by ClinVar (database versions not stated): gnomAD 0.00001; gnomAD exomes 0.00003 and 0.00005; TOPMed 0.00003; ExAC 0.00005.
gnomAD v4.1: 53 of 1,613,252 alleles (0.0033%); highest among the groups gnomAD compares: Non-Finnish European, 0.0019%; no homozygotes.

Submissions (8):

Labcorp Genetics (formerly Invitae), Labcorp
Classification: Likely benign for Long QT syndrome. Last evaluated: 2025-11-24. Review status: criteria provided, single submitter. Criteria: Invitae Variant Classification Sherloc (09022015). Collection method: clinical testing. Allele origin: germline.

Blueprint Genetics
Classification: Likely benign. Last evaluated: 2024-03-19. Review status: criteria provided, single submitter. Criteria: ACMG Guidelines, 2015. Collection method: clinical testing. Allele origin: germline.

All of Us Research Program, National Institutes of Health
Classification: Likely benign for Long QT syndrome. Last evaluated: 2024-02-05. Review status: criteria provided, single submitter. Criteria: ACMG Guidelines, 2015. Collection method: clinical testing. Allele origin: germline. Inheritance: Autosomal dominant inheritance. Observed: 15 variant alleles, 15 heterozygotes.
Comment: This study involves interpretation of variants in research participants for the purpose of population health screening. Participant phenotype was not available at the time of variant classification. Additional details can be found in publication PMID: 35346344, PMCID: PMC8962531

CeGaT Center for Human Genetics Tuebingen
Classification: Likely benign. Last evaluated: 2023-12-01. Review status: criteria provided, single submitter. Criteria: CeGaT Center For Human Genetics Tuebingen Variant Classification Criteria Version 2. Collection method: clinical testing. Allele origin: germline. Affected: yes. Observed: 1 variant allele.
Comment: KCNH2: BP4, BP7

Ambry Genetics
Classification: Likely benign for Cardiovascular phenotype. Last evaluated: 2023-09-14. Review status: criteria provided, single submitter. Criteria: Ambry Variant Classification Scheme 2023. Collection method: clinical testing. Allele origin: germline.

Color Diagnostics, LLC DBA Color Health
Classification: Likely benign for Arrhythmia. Last evaluated: 2018-11-08. Review status: criteria provided, single submitter. Criteria: ACMG Guidelines, 2015. Collection method: clinical testing. Allele origin: germline.

Illumina Laboratory Services, Illumina
Classification: Uncertain significance for Long QT syndrome 2. Last evaluated: 2017-04-28. Review status: criteria provided, single submitter. Criteria: ICSL Variant Classification Criteria 13 December 2019. Collection method: clinical testing. Allele origin: germline.

GeneDx
Classification: Benign. Last evaluated: 2016-10-13. Review status: criteria provided, single submitter. Criteria: GeneDx Variant Classification Process June 2021. Collection method: clinical testing. Allele origin: germline. Affected: yes.